The following is an entry in ClinVar:

NM_000516.7(GNAS):c.479G>A (p.Arg160His)

Gene: GNAS (GNAS complex locus; plus strand). Cytogenetic location: 20q13.32.
Variant type: single nucleotide variant.
Coding change: c.479G>A on transcript NM_000516.7 (MANE Select); coding-DNA position 479, G replaced by A.
Protein change: p.Arg160His; replaces arginine 160 with histidine.
Molecular consequence: missense variant. On other transcripts: 3 prime UTR variant (2).
Genome position (GRCh38, 1-based): chr20:58,905,429, G>A. VCF-style: chr20-58905429-G-A. GRCh37 (hg19) VCF-style: chr20-57480484-G-A.
Other names: c.482G>A, p.Arg161His (NM_001077488.5); c.434G>A, p.Arg145His (NM_001077489.4); c.*340G>A (NM_001077490.3); c.302G>A, p.Arg101His (NM_001309840.2, NM_001309861.2); c.383G>A, p.Arg128His (NM_001410912.1); c.2363G>A, p.Arg788His (NM_001410913.1); c.*385G>A (NM_016592.5); c.2408G>A, p.Arg803His (NM_080425.4); and 1 more; short protein forms R101H, R128H, R145H, R146H, R160H, R161H, R788H, R803H.
Identifiers: ClinVar variation 3342237 (VCV003342237.17).

ClinVar aggregate classification (germline): Conflicting classifications of pathogenicity. Review status: criteria provided, conflicting classifications (1 of 4 stars). 2 submissions from 2 submitters: Likely pathogenic (1); Uncertain significance (1). Last evaluated 2026-01-18.

Conditions:
Disorder of GNAS inactivation. Identifiers: MedGen CN375927, MONDO:0800466.

gnomAD v4.1: 1 of 1,610,756 alleles (0.000062%); highest among the groups gnomAD compares: Non-Finnish European, 0.000085%; no homozygotes.

Submissions (2):

Victorian Clinical Genetics Services, Murdoch Childrens Research Institute
Classification: Uncertain significance for Disorder of GNAS inactivation. Last evaluated: 2026-01-18. Review status: criteria provided, single submitter. Criteria: ACMG Guidelines, 2015. Collection method: clinical testing. Allele origin: germline.
Comment: This variant is classified as VUS-3A. Evidence in support of pathogenic classification: Variant is present in gnomAD <0.001 for a dominant condition (v4: 1 heterozygote(s), 0 homozygote(s)); This variant has limited previous evidence of pathogenicity in an unrelated individual(s). This variant has been classified as likely pathogenic by a clinical laboratory in ClinVar. Additional information: Variant is predicted to result in a missense amino acid change from Arg to His; This variant is heterozygous; This gene is associated with autosomal dominant disease; No published evidence of segregation with disease has been identified for this variant; No published functional evidence has been identified for this variant; No comparable missense variants have previous evidence for pathogenicity; Variant is located in the annotated G-protein alpha subunit domain (DECIPHER); Missense variant with inconclusive in silico prediction and/or uninformative conservation; Loss of function and gain of function are known mechanisms of disease in this gene. Loss of function has been associated with the hypoparathyroidism phenotypes (PMID: 10980525), while gain of function has been reported for somatic variants in cancers (PMID: 11588148); This gene is known to be imprinted (OMIM, PMID: 10980525); Variants in this gene are known to have variable expressivity. Although some probands diagnosed with a disorder of GNAS inactivation have an affected parent, the family history may appear to be negative because of failure to recognise the disorder in other family members (PMID: 29072892).

CeGaT Center for Human Genetics Tuebingen
Classification: Likely pathogenic. Last evaluated: 2024-08-01. Review status: criteria provided, single submitter. Criteria: CeGaT Center For Human Genetics Tuebingen Variant Classification Criteria Version 2. Collection method: clinical testing. Allele origin: germline. Affected: yes. Observed: 1 variant allele.
Comment: GNAS: PM2, PM5, PP2, PP4

Literature cited by the submitters: PubMed 11588148 (cited by Victorian Clinical Genetics Services, Murdoch Childrens Research Institute); PubMed 10980525 (cited by Victorian Clinical Genetics Services, Murdoch Childrens Research Institute); PubMed 29072892 (cited by Victorian Clinical Genetics Services, Murdoch Childrens Research Institute).